The following is an entry in ClinVar:

NM_031229.4(RBCK1):c.663del (p.Glu222fs)

Gene: RBCK1 (RANBP2-type and C3HC4-type zinc finger containing 1; plus strand). Cytogenetic location: 20p13.
Variant type: Deletion.
Coding change: c.663del on transcript NM_031229.4 (MANE Select); coding-DNA position 663, one base deleted (C; older notation c.663delC).
Protein change: p.Glu222fs; shifts the reading frame from glutamic acid 222.
Molecular consequence: frameshift variant. On other transcripts: non-coding transcript variant (1).
Genome position (GRCh38, 1-based): chr20:419,638, C deleted; the last of 4 consecutive C bases (chr20:419,635-419,638); deleting any one gives the same sequence. VCF-style (leftmost placement, unchanged base first): chr20-419634-GC-G. GRCh37 (hg19) VCF-style: chr20-400278-GC-G.
Other names: c.314del, p.Pro105fs (NM_001323956.2, NM_001323958.2); c.537del, p.Glu180fs (NM_006462.6); short protein forms E180fs, E222fs, P105fs.
Identifiers: ClinVar variation 1075761 (VCV001075761.7), dbSNP rs2122245228, ClinGen allele CA2499225750.

ClinVar aggregate classification (germline): Pathogenic (1 of 4 stars; one submission).

Conditions:
Polyglucosan body myopathy type 1 (PGBM1). Also called: POLYGLUCOSAN BODY MYOPATHY WITHOUT IMMUNODEFICIENCY; Polyglucosan body myopathy 1 with or without immunodeficiency. Identifiers: Orphanet 329173, Orphanet 397937, MedGen C4014605, MONDO:0014389, OMIM 615895.

Submission:

Labcorp Genetics (formerly Invitae), Labcorp
Classification: Pathogenic for Polyglucosan body myopathy type 1. Last evaluated: 2022-06-04. Review status: criteria provided, single submitter. Criteria: Invitae Variant Classification Sherloc (09022015). Collection method: clinical testing. Allele origin: germline.
Comment: This sequence change creates a premature translational stop signal (p.Glu222Argfs*54) in the RBCK1 gene. It is expected to result in an absent or disrupted protein product. Loss-of-function variants in RBCK1 are known to be pathogenic (PMID: 2379848, 23104095, 23889995). This variant is not present in population databases (gnomAD no frequency). This variant has not been reported in the literature in individuals affected with RBCK1-related conditions. ClinVar contains an entry for this variant (Variation ID: 1075761). For these reasons, this variant has been classified as Pathogenic.

Literature cited by the submitters: PubMed 2379848; PubMed 23104095; PubMed 23889995.